The following is an entry in ClinVar:

ClinVar aggregate classification (germline): Uncertain significance (1 of 4 stars; one submission).

Conditions:
Joubert syndrome. Also called: JOUBERT-BOLTSHAUSER SYNDROME; Familial aplasia of the vermis. Identifiers: Orphanet 475, MedGen C5979921, MONDO:0018772.
Meckel-Gruber syndrome. Also called: Dysencephalia splachnocystica; DYSENCEPHALIA SPLANCHNOCYSTICA; GRUBER SYNDROME. Identifiers: Orphanet 564, MedGen C0265215, MONDO:0018921.

Allele frequency attached by ClinVar (database versions not stated): gnomAD exomes below 0.00001 and 0.00002; gnomAD 0.00003; TOPMed 0.00006.
gnomAD v4.1: 28 of 1,587,086 alleles (0.0018%); highest among the groups gnomAD compares: African/African-American, 0.0097%; no homozygotes.

Submission:

Labcorp Genetics (formerly Invitae), Labcorp
Classification: Uncertain significance for Joubert syndrome; Meckel-Gruber syndrome. Last evaluated: 2022-11-03. Review status: criteria provided, single submitter. Criteria: Invitae Variant Classification Sherloc (09022015). Collection method: clinical testing. Allele origin: germline.
Comment: This sequence change replaces serine, which is neutral and polar, with asparagine, which is neutral and polar, at codon 83 of the CC2D2A protein (p.Ser83Asn). The frequency data for this variant in the population databases is considered unreliable, as metrics indicate poor data quality at this position in the gnomAD database. This variant has not been reported in the literature in individuals affected with CC2D2A-related conditions. ClinVar contains an entry for this variant (Variation ID: 1006890). Algorithms developed to predict the effect of missense changes on protein structure and function output the following: SIFT: "Deleterious"; PolyPhen-2: "Benign"; Align-GVGD: "Class C0". The asparagine amino acid residue is found in multiple mammalian species, which suggests that this missense change does not adversely affect protein function. In summary, the available evidence is currently insufficient to determine the role of this variant in disease. Therefore, it has been classified as a Variant of Uncertain Significance.

NM_001378615.1(CC2D2A):c.248G>A (p.Ser83Asn)

Genes: CC2D2A (coiled-coil and C2 domain containing 2A; plus strand), FBXL5 (F-box and leucine rich repeat protein 5; minus strand). Cytogenetic location: 4p15.32.
Variant type: single nucleotide variant.
Coding change: c.248G>A on transcript NM_001378615.1 (MANE Select); coding-DNA position 248, G replaced by A.
Protein change: p.Ser83Asn; replaces serine 83 with asparagine.
Molecular consequence: missense variant.
Genome position (GRCh38, 1-based): chr4:15,502,429, G>A. VCF-style: chr4-15502429-G-A. GRCh37 (hg19) VCF-style: chr4-15504052-G-A.
Other names: c.248G>A, p.Ser83Asn (NM_001080522.2); c.101G>A, p.Ser34Asn (NM_001378617.1); short protein forms S34N, S83N.
Identifiers: ClinVar variation 1006890 (VCV001006890.6), dbSNP rs930307925, ClinGen allele CA92504546.